The following is an entry in ClinVar:

NM_032043.3(BRIP1):c.926C>T (p.Ser309Phe)

Gene: BRIP1 (BRCA1 interacting DNA helicase 1; minus strand). Cytogenetic location: 17q23.2.
Variant type: single nucleotide variant.
Coding change: c.926C>T on transcript NM_032043.3 (MANE Select); coding-DNA position 926, C replaced by T.
Protein change: p.Ser309Phe; replaces serine 309 with phenylalanine.
Molecular consequence: missense variant.
Genome position (GRCh38, 1-based): chr17:61,801,467, G>A on the plus strand (C>T on the coding strand, the complement: BRIP1 is on the minus strand). VCF-style: chr17-61801467-G-A. GRCh37 (hg19) VCF-style: chr17-59878828-G-A.
Other names: short protein forms S309F.
Identifiers: ClinVar variation 1443939 (VCV001443939.7), dbSNP rs2077993753, ClinGen allele CA400484313.

ClinVar aggregate classification (germline): Uncertain significance (1 of 4 stars; one submission).

Conditions:
Familial cancer of breast. Also called: BREAST CANCER, FAMILIAL; Hereditary breast cancer; hereditary breast carcinoma. Identifiers: Orphanet 227535, MedGen C0346153, MONDO:0016419, OMIM 114480. Disease mechanism: loss of function.
Fanconi anemia complementation group J. Also called: BRIP1-Related Fanconi Anemia. Identifiers: Orphanet 84, MedGen C1836860, MONDO:0012187, OMIM 609054.

Submission:

Labcorp Genetics (formerly Invitae), Labcorp
Classification: Uncertain significance for Familial cancer of breast; Fanconi anemia complementation group J. Last evaluated: 2022-10-24. Review status: criteria provided, single submitter. Criteria: Invitae Variant Classification Sherloc (09022015). Collection method: clinical testing. Allele origin: germline.
Comment: ClinVar contains an entry for this variant (Variation ID: 1443939). This variant has not been reported in the literature in individuals affected with BRIP1-related conditions. This variant is not present in population databases (gnomAD no frequency). This sequence change replaces serine, which is neutral and polar, with phenylalanine, which is neutral and non-polar, at codon 309 of the BRIP1 protein (p.Ser309Phe). Advanced modeling of protein sequence and biophysical properties (such as structural, functional, and spatial information, amino acid conservation, physicochemical variation, residue mobility, and thermodynamic stability) performed at Invitae indicates that this missense variant is not expected to disrupt BRIP1 protein function. In summary, the available evidence is currently insufficient to determine the role of this variant in disease. Therefore, it has been classified as a Variant of Uncertain Significance.